The following is an entry in ClinVar:

NM_020911.2(PLXNA4):c.1985G>A (p.Cys662Tyr)

Gene: PLXNA4 (plexin A4; minus strand). Cytogenetic location: 7q32.3.
Variant type: single nucleotide variant.
Coding change: c.1985G>A on transcript NM_020911.2 (MANE Select); coding-DNA position 1985, G replaced by A.
Protein change: p.Cys662Tyr; replaces cysteine 662 with tyrosine.
Molecular consequence: missense variant.
Genome position (GRCh38, 1-based): chr7:132,223,639, C>T on the plus strand (G>A on the coding strand, the complement: PLXNA4 is on the minus strand). VCF-style: chr7-132223639-C-T. GRCh37 (hg19) VCF-style: chr7-131908398-C-T.
Other names: c.1985G>A, p.Cys662Tyr (NM_001393897.1); short protein forms C662Y.
Identifiers: ClinVar variation 4998873 (VCV004998873.1).

ClinVar aggregate classification (germline): Uncertain significance (1 of 4 stars; one submission).

Conditions:
PLXNA4-related disorder. Also called: PLXNA4-related condition.

Submission:

PreventionGenetics, part of Exact Sciences
Classification: Uncertain significance for PLXNA4-related condition. Last evaluated: 2025-04-24. Review status: criteria provided, single submitter. Criteria: ACMG Guidelines, 2015. Collection method: clinical testing. Allele origin: germline.
Comment: The PLXNA4 c.1985G>A variant is predicted to result in the amino acid substitution p.Cys662Tyr. To our knowledge, this variant has not been reported in the literature or in a large population database (gnomAD), indicating this variant is rare. At this time, the clinical significance of this variant is uncertain due to the absence of conclusive functional and genetic evidence.